The following is an entry in ClinVar:

NM_172107.4(KCNQ2):c.2092C>T (p.Gln698Ter)

Gene: KCNQ2 (potassium voltage-gated channel subfamily Q member 2; minus strand). Cytogenetic location: 20q13.33.
Variant type: single nucleotide variant.
Coding change: c.2092C>T on transcript NM_172107.4 (MANE Select); coding-DNA position 2092, C replaced by T.
Protein change: p.Gln698Ter; replaces glutamine 698 with a stop codon.
Molecular consequence: nonsense.
Genome position (GRCh38, 1-based): chr20:63,407,171, G>A on the plus strand (C>T on the coding strand, the complement: KCNQ2 is on the minus strand). VCF-style: chr20-63407171-G-A. GRCh37 (hg19) VCF-style: chr20-62038524-G-A.
Other names: c.2008C>T, p.Gln670Ter (NM_004518.6); c.2038C>T, p.Gln680Ter (NM_172106.3); c.1999C>T, p.Gln667Ter (NM_172108.5); short protein forms Q698*, Q667*, Q670*, Q680*.
Identifiers: ClinVar variation 817541 (VCV000817541.1), dbSNP rs1601544177, ClinGen allele CA409639011.

ClinVar aggregate classification (germline): Pathogenic (1 of 4 stars; one submission).

Submission:

GeneDx
Classification: Pathogenic. Last evaluated: 2019-03-01. Review status: criteria provided, single submitter. Criteria: GeneDx Variant Classification (06012015). Collection method: clinical testing. Allele origin: germline. Affected: yes.
Comment: The Q698X nonsense variant in the KCNQ2 gene is predicted to cause loss of normal protein function through protein truncation as the last 175 amino acids of the protein are lost. The Q698X variant is not observed in large population cohorts (Lek et al., 2016).